The following is an entry in ClinVar:

ClinVar aggregate classification (germline): Uncertain significance (1 of 4 stars; one submission).

Conditions:
Fanconi anemia (FA). Also called: Fanconi's anemia. Identifiers: Orphanet 84, MedGen C0015625, MeSH D005199, MONDO:0019391.

Submission:

Labcorp Genetics (formerly Invitae), Labcorp
Classification: Uncertain significance for Fanconi anemia. Last evaluated: 2023-09-08. Review status: criteria provided, single submitter. Criteria: Invitae Variant Classification Sherloc (09022015). Collection method: clinical testing. Allele origin: germline.
Comment: In summary, the available evidence is currently insufficient to determine the role of this variant in disease. Therefore, it has been classified as a Variant of Uncertain Significance. Advanced modeling of protein sequence and biophysical properties (such as structural, functional, and spatial information, amino acid conservation, physicochemical variation, residue mobility, and thermodynamic stability) performed at Invitae indicates that this missense variant is not expected to disrupt FANCF protein function. This variant has not been reported in the literature in individuals affected with FANCF-related conditions. This variant is not present in population databases (gnomAD no frequency). This sequence change replaces glycine, which is neutral and non-polar, with glutamic acid, which is acidic and polar, at codon 178 of the FANCF protein (p.Gly178Glu).

NM_022725.4(FANCF):c.533G>A (p.Gly178Glu)

Gene: FANCF (FA complementation group F; minus strand). Cytogenetic location: 11p14.3.
Variant type: single nucleotide variant.
Coding change: c.533G>A on transcript NM_022725.4 (MANE Select); coding-DNA position 533, G replaced by A.
Protein change: p.Gly178Glu; replaces glycine 178 with glutamic acid.
Molecular consequence: missense variant.
Genome position (GRCh38, 1-based): chr11:22,625,278, C>T on the plus strand (G>A on the coding strand, the complement: FANCF is on the minus strand). VCF-style: chr11-22625278-C-T. GRCh37 (hg19) VCF-style: chr11-22646824-C-T.
Other names: short protein forms G178E.
Identifiers: ClinVar variation 2824961 (VCV002824961.3), dbSNP rs2133797524, ClinGen allele CA380058850.